The following is an entry in ClinVar:

NM_001621.5(AHR):c.2004C>A (p.Asp668Glu)

Gene: AHR (aryl hydrocarbon receptor; plus strand). Cytogenetic location: 7p21.1.
Variant type: single nucleotide variant.
Coding change: c.2004C>A on transcript NM_001621.5 (MANE Select); coding-DNA position 2004, C replaced by A.
Protein change: p.Asp668Glu; replaces aspartic acid 668 with glutamic acid.
Molecular consequence: missense variant.
Genome position (GRCh38, 1-based): chr7:17,339,829, C>A. VCF-style: chr7-17339829-C-A. GRCh37 (hg19) VCF-style: chr7-17379453-C-A.
Other names: short protein forms D668E.
Identifiers: ClinVar variation 2097726 (VCV002097726.4), dbSNP rs1318083010, ClinGen allele CA366895699.

ClinVar aggregate classification (germline): Uncertain significance (1 of 4 stars; one submission).

gnomAD v4.1: 2 of 1,614,188 alleles (0.00012%); highest among the groups gnomAD compares: African/African-American, 0.0027%; no homozygotes.

Submission:

Labcorp Genetics (formerly Invitae), Labcorp
Classification: Uncertain significance. Last evaluated: 2022-02-14. Review status: criteria provided, single submitter. Criteria: Invitae Variant Classification Sherloc (09022015). Collection method: clinical testing. Allele origin: germline.
Comment: In summary, the available evidence is currently insufficient to determine the role of this variant in disease. Therefore, it has been classified as a Variant of Uncertain Significance. Algorithms developed to predict the effect of missense changes on protein structure and function output the following: SIFT: "Tolerated"; PolyPhen-2: "Benign"; Align-GVGD: "Class C0". The glutamic acid amino acid residue is found in multiple mammalian species, which suggests that this missense change does not adversely affect protein function. This variant has not been reported in the literature in individuals affected with AHR-related conditions. This variant is not present in population databases (gnomAD no frequency). This sequence change replaces aspartic acid, which is acidic and polar, with glutamic acid, which is acidic and polar, at codon 668 of the AHR protein (p.Asp668Glu).